The following is an entry in ClinVar:

ClinVar aggregate classification (germline): Uncertain significance (1 of 4 stars; one submission).

Conditions:
POLD1-related polyposis and colorectal cancer syndrome (CRCS10). Also called: Colorectal cancer 10; COLORECTAL CANCER, SUSCEPTIBILITY TO, ON CHROMOSOME 19q; Colorectal cancer, susceptibility to, 10. Identifiers: Orphanet 220460, MedGen C2675481, MONDO:0012953, OMIM 612591.

Submission:

Labcorp Genetics (formerly Invitae), Labcorp
Classification: Uncertain significance for POLD1-related polyposis and colorectal cancer syndrome. Last evaluated: 2024-02-01. Review status: criteria provided, single submitter. Criteria: Invitae Variant Classification Sherloc (09022015). Collection method: clinical testing. Allele origin: germline.
Comment: This sequence change replaces cysteine, which is neutral and slightly polar, with tyrosine, which is neutral and polar, at codon 1061 of the POLD1 protein (p.Cys1061Tyr). This variant is not present in population databases (gnomAD no frequency). This variant has not been reported in the literature in individuals affected with POLD1-related conditions. Advanced modeling of protein sequence and biophysical properties (such as structural, functional, and spatial information, amino acid conservation, physicochemical variation, residue mobility, and thermodynamic stability) performed at Invitae indicates that this missense variant is expected to disrupt POLD1 protein function with a positive predictive value of 80%. In summary, the available evidence is currently insufficient to determine the role of this variant in disease. Therefore, it has been classified as a Variant of Uncertain Significance.

NM_002691.4(POLD1):c.3182G>A (p.Cys1061Tyr)

Gene: POLD1 (DNA polymerase delta 1, catalytic subunit; plus strand). Cytogenetic location: 19q13.33.
Variant type: single nucleotide variant.
Coding change: c.3182G>A on transcript NM_002691.4 (MANE Select); coding-DNA position 3182, G replaced by A.
Protein change: p.Cys1061Tyr; replaces cysteine 1061 with tyrosine.
Molecular consequence: missense variant. On other transcripts: non-coding transcript variant (1).
Genome position (GRCh38, 1-based): chr19:50,417,233, G>A. VCF-style: chr19-50417233-G-A. GRCh37 (hg19) VCF-style: chr19-50920490-G-A.
Other names: c.3182G>A, p.Cys1061Tyr (NM_001256849.1); c.3260G>A, p.Cys1087Tyr (NM_001308632.1); short protein forms C1087Y, C1061Y.
Identifiers: ClinVar variation 3638174 (VCV003638174.2).